The following is an entry in ClinVar:

ClinVar aggregate classification (germline): Pathogenic/Likely pathogenic. Review status: criteria provided, multiple submitters, no conflicts (2 of 4 stars). 4 submissions from 4 submitters: Pathogenic (3); Likely pathogenic (1). Last evaluated 2025-09-01.

Conditions:
PURA-related disorder. Also called: PURA-related condition.
PURA Syndrome. Identifiers: MedGen C4708498.

Submissions (4):

CeGaT Center for Human Genetics Tuebingen
Classification: Likely pathogenic. Last evaluated: 2025-09-01. Review status: criteria provided, single submitter. Criteria: CeGaT Center For Human Genetics Tuebingen Variant Classification Criteria Version 2. Collection method: clinical testing. Allele origin: germline. Affected: yes. Observed: 1 variant allele.
Comment: PURA: PVS1:Strong, PM2

Blueprint Genetics
Classification: Pathogenic for PURA-related disorders. Last evaluated: 2023-02-03. Review status: criteria provided, single submitter. Criteria: ACMG Guidelines, 2015. Collection method: clinical testing. Allele origin: germline. Affected: yes. Observed: 1 variant allele.

Dasa
Classification: Pathogenic for PURA Syndrome. Last evaluated: 2022-02-14. Review status: criteria provided, single submitter. Criteria: ACMG Guidelines, 2015. Collection method: clinical testing. Allele origin: germline. Affected: yes. Observed: 1 variant allele.
Comment: The c.116dup;p.(Gly40Argfs*161) is a null frameshift variant in the PURA gene and predicts alteration of the nonsense-mediate decay - NMD is present in a relevant exon to the transcript -PVS1_strong. This sequence change has been observed in affected individual(s) and ClinVar contains an entry for this variant (ClinVar ID: 280576) - PS4_supporting. This variant is not present in population databases (rs886041754, gnomAD; ABraOM no frequency) - PM2. In summary, the currently available evidence indicates that the variant is pathogenic.

GeneDx
Classification: Pathogenic. Last evaluated: 2016-05-09. Review status: criteria provided, single submitter. Criteria: GeneDx Variant Classification (06012015). Collection method: clinical testing. Allele origin: germline. Affected: yes.
Comment: The c.116dupG pathogenic variant in the PURA gene has not been reported previously as a pathogenic variant nor as a benign variant, to our knowledge. The c.116dupG variant causes a frameshift starting with codon Glycine 40, changes this amino acid to an Arginine residue, and creates a premature Stop codon at position 161 of the new reading frame, denoted p.Gly40ArgfsX161. This variant is predicted to cause loss of normal protein function through protein truncation. The c.116dupG variant was not observed in approximately 1,700 individuals of European and African American ancestry in the NHLBI Exome Sequencing Project, indicating it is not a common benign variant in these populations. We interpret c.116dupG as a pathogenic variant.

NM_005859.5(PURA):c.116dup (p.Gly40fs)

Gene: PURA (purine rich element binding protein A; plus strand). Cytogenetic location: 5q31.3.
Variant type: Duplication.
Coding change: c.116dup on transcript NM_005859.5 (MANE Select); coding-DNA position 116, one base duplicated (G; older notation c.116dupG).
Protein change: p.Gly40fs; shifts the reading frame from glycine 40.
Molecular consequence: frameshift variant.
Genome position (GRCh38, 1-based): chr5:140,114,297, G duplicated; the last of 5 consecutive G bases (chr5:140,114,293-140,114,297); duplicating any one gives the same sequence. VCF-style (leftmost placement, unchanged base first): chr5-140114292-C-CG. GRCh37 (hg19) VCF-style: chr5-139493877-C-CG.
Other names: short protein forms G40fs.
Identifiers: ClinVar variation 280576 (VCV000280576.22), dbSNP rs886041754, ClinGen allele CA10602967.